The following is an entry in ClinVar:

NC_000016.9:g.(53636101_53639392)_(53698922_53705421)del

Gene: RPGRIP1L (RPGRIP1 like; minus strand). Cytogenetic location: 16q12.2.
Variant type: Deletion.
Identifiers: ClinVar variation 1677067 (VCV001677067.1).

ClinVar aggregate classification (germline): Likely pathogenic (1 of 4 stars; one submission).

Conditions:
Joubert syndrome and related disorders. Identifiers: Orphanet 140874, MedGen C5679612, MONDO:0015369.

Submission:

Women's Health and Genetics/Laboratory Corporation of America, LabCorp
Classification: Likely pathogenic for Joubert syndrome and related disorders. Last evaluated: 2022-03-09. Review status: criteria provided, single submitter. Criteria: LabCorp Variant Classification Summary - May 2015. Collection method: clinical testing. Allele origin: germline.
Comment: Variant summary: The variant identified by MLPA or other technology involves the deletion of exons 10-26 in the RPGRIP1L gene. A presumed nomenclature of c.(1103+1_1104-1)_(3835+1_3836-1)del has been designated for the purposes of this classification. Although exact breakpoints of this deletion are not known, it is expected to result in a frameshift in the RPGRIP1L gene, a known mechanism of disease. The variant was absent in 21694 control chromosomes (gnomAD SVs, Structural Variants dataset). To our knowledge, no occurrence of c.(1103+1_1104-1)_(3835+1_3836-1)del in individuals affected with Joubert Syndrome And Related Disorders and no experimental evidence demonstrating its impact on protein function have been reported. One ClinVar submitter (evaluation after 2014) cites the variant as likely pathogenic. Based on the evidence outlined above, the variant was classified as likely pathogenic.